The following is an entry in ClinVar:

NM_000245.4(MET):c.4123G>T (p.Ala1375Ser)

Gene: MET (MET proto-oncogene, receptor tyrosine kinase; plus strand). Cytogenetic location: 7q31.2.
Variant type: single nucleotide variant.
Coding change: c.4123G>T on transcript NM_000245.4 (MANE Select); coding-DNA position 4123, G replaced by T.
Protein change: p.Ala1375Ser; replaces alanine 1375 with serine.
Molecular consequence: missense variant.
Genome position (GRCh38, 1-based): chr7:116,796,074, G>T. VCF-style: chr7-116796074-G-T. GRCh37 (hg19) VCF-style: chr7-116436128-G-T.
Other names: c.4177G>T, p.Ala1393Ser (NM_001127500.3); c.2833G>T, p.Ala945Ser (NM_001324402.2); short protein forms A1393S, A1375S, A945S.
Identifiers: ClinVar variation 1496880 (VCV001496880.8), dbSNP rs373517956, ClinGen allele CA165451058.
Genomic context (GRCh38, chr7:116,796,074, plus strand): 5'-ACTTATGTGAACGTAAAATGTGTCGCTCCGTATCCTTCTCTGTTGTCATCAGAAGATAAC[G>T]CTGATGATGAGGTGGACACACGACCAGCCTCCTTCTGGGAGACATCATAGTGCTAGTACT-3'
Protein context (NP_000236.2, residues 1365-1385): YPSLLSSEDN[Ala1375Ser]DDEVDTRPAS

ClinVar aggregate classification (germline): Uncertain significance (1 of 4 stars; one submission).

Conditions:
Renal cell carcinoma. Identifiers: Orphanet 217071, MedGen C0007134, MeSH D002292, MONDO:0005086, HP:0005584.

Allele frequency attached by ClinVar (database versions not stated): ESP Exome Variant Server 0.00008.

Submission:

Labcorp Genetics (formerly Invitae), Labcorp
Classification: Uncertain significance for Renal cell carcinoma. Last evaluated: 2020-12-23. Review status: criteria provided, single submitter. Criteria: Invitae Variant Classification Sherloc (09022015). Collection method: clinical testing. Allele origin: germline.
Comment: Algorithms developed to predict the effect of missense changes on protein structure and function (SIFT, PolyPhen-2, Align-GVGD) all suggest that this variant is likely to be tolerated, but these predictions have not been confirmed by published functional studies and their clinical significance is uncertain. In summary, the available evidence is currently insufficient to determine the role of this variant in disease. Therefore, it has been classified as a Variant of Uncertain Significance. This variant has not been reported in the literature in individuals with MET-related conditions. This variant is not present in population databases (ExAC no frequency). This sequence change replaces alanine with serine at codon 1393 of the MET protein (p.Ala1393Ser). The alanine residue is weakly conserved and there is a moderate physicochemical difference between alanine and serine.